The following is an entry in ClinVar:

ClinVar aggregate classification (germline): Conflicting classifications of pathogenicity. Review status: criteria provided, conflicting classifications (1 of 4 stars). 3 submissions from 3 submitters: Uncertain significance (2); Likely benign (1). Last evaluated 2025-05-08.

gnomAD v4.1: 134 of 1,606,918 alleles (0.0083%); highest among the groups gnomAD compares: Non-Finnish European, 0.011%; no homozygotes.

Submissions (3):

Labcorp Genetics (formerly Invitae), Labcorp
Classification: Uncertain significance. Last evaluated: 2025-05-08. Review status: criteria provided, single submitter. Criteria: Invitae Variant Classification Sherloc (09022015). Collection method: clinical testing. Allele origin: germline.
Comment: This sequence change replaces leucine, which is neutral and non-polar, with valine, which is neutral and non-polar, at codon 67 of the DIAPH3 protein (p.Leu67Val). This variant is present in population databases (rs373421558, gnomAD 0.01%). This variant has not been reported in the literature in individuals affected with DIAPH3-related conditions. ClinVar contains an entry for this variant (Variation ID: 1198971). An algorithm developed to predict the effect of missense changes on protein structure and function (PolyPhen-2) suggests that this variant is likely to be disruptive. In summary, the available evidence is currently insufficient to determine the role of this variant in disease. Therefore, it has been classified as a Variant of Uncertain Significance.

Ambry Genetics
Classification: Uncertain significance. Last evaluated: 2025-04-10. Review status: criteria provided, single submitter. Criteria: Ambry Variant Classification Scheme 2023. Collection method: clinical testing. Allele origin: germline.

GeneDx
Classification: Likely benign. Last evaluated: 2020-07-28. Review status: criteria provided, single submitter. Criteria: GeneDx Variant Classification Process June 2021. Collection method: clinical testing. Allele origin: germline. Affected: yes.
Comment: In silico analysis supports that this missense variant does not alter protein structure/function; Has not been previously published as pathogenic or benign to our knowledge

NM_001042517.2(DIAPH3):c.199C>G (p.Leu67Val)

Gene: DIAPH3 (diaphanous related formin 3; minus strand). Cytogenetic location: 13q21.2.
Variant type: single nucleotide variant.
Coding change: c.199C>G on transcript NM_001042517.2 (MANE Select); coding-DNA position 199, C replaced by G.
Protein change: p.Leu67Val; replaces leucine 67 with valine.
Molecular consequence: missense variant. On other transcripts: intron variant (3).
Genome position (GRCh38, 1-based): chr13:60,132,971, G>C on the plus strand (C>G on the coding strand, the complement: DIAPH3 is on the minus strand). VCF-style: chr13-60132971-G-C. GRCh37 (hg19) VCF-style: chr13-60707105-G-C.
Other names: c.199C>G, p.Leu67Val (NM_001258369.2); c.180+30616C>G (NM_001258368.2); c.181-20785C>G (NM_001258367.2, NM_001258366.2); short protein forms L67V.
Identifiers: ClinVar variation 1198971 (VCV001198971.10), dbSNP rs373421558, ClinGen allele CA6997080.